The following is an entry in ClinVar:

NM_024598.4(USB1):c.725T>A (p.Val242Glu)

Gene: USB1 (U6 snRNA biogenesis phosphodiesterase 1; plus strand). Cytogenetic location: 16q21.
Variant type: single nucleotide variant.
Coding change: c.725T>A on transcript NM_024598.4 (MANE Select); coding-DNA position 725, T replaced by A.
Protein change: p.Val242Glu; replaces valine 242 with glutamic acid.
Molecular consequence: missense variant.
Genome position (GRCh38, 1-based): chr16:58,020,172, T>A. VCF-style: chr16-58020172-T-A. GRCh37 (hg19) VCF-style: chr16-58054076-T-A.
Other names: c.725T>A (NM_024598.3); c.671T>A, p.Val224Glu (NM_001195302.2); c.572T>A, p.Val191Glu (NM_001330568.2); short protein forms V191E, V224E, V242E.
Identifiers: ClinVar variation 1375481 (VCV001375481.7), dbSNP rs766841291, ClinGen allele CA281641819.
Genomic context (GRCh38, chr16:58,020,172, plus strand): 5'-GACTGTCCTCCCCTGGCTGCTGTTTTAAGGCAATCGTGGATGGGTTTGAAGATGCTGAGG[T>A]GCTGCTGCGCGTGCACACTGAGCAAGTCCGCTGCAAGTCTGGGAACAAGTTCTTCTCGAT-3'
Protein context (NP_078874.2, residues 232-252): AIVDGFEDAE[Val242Glu]LLRVHTEQVR

ClinVar aggregate classification (germline): Uncertain significance. Review status: criteria provided, multiple submitters, no conflicts (2 of 4 stars). 2 submissions from 2 submitters: Uncertain significance (2). Last evaluated 2025-11-12.

Conditions:
Inborn genetic diseases. Identifiers: MedGen C0950123, MeSH D030342.

Allele frequency attached by ClinVar (database versions not stated): TOPMed 0.00001.
gnomAD v4.1: 17 of 1,614,132 alleles (0.0011%); highest among the groups gnomAD compares: Non-Finnish European, 0.0014%; no homozygotes.

Submissions (2):

Ambry Genetics
Classification: Uncertain significance for Inborn genetic diseases. Last evaluated: 2025-11-12. Review status: criteria provided, single submitter. Criteria: Ambry Variant Classification Scheme 2023. Collection method: clinical testing. Allele origin: germline.

Labcorp Genetics (formerly Invitae), Labcorp
Classification: Uncertain significance. Last evaluated: 2022-08-22. Review status: criteria provided, single submitter. Criteria: Invitae Variant Classification Sherloc (09022015). Collection method: clinical testing. Allele origin: germline.
Comment: This sequence change replaces valine, which is neutral and non-polar, with glutamic acid, which is acidic and polar, at codon 242 of the USB1 protein (p.Val242Glu). This variant is not present in population databases (gnomAD no frequency). This variant has not been reported in the literature in individuals affected with USB1-related conditions. ClinVar contains an entry for this variant (Variation ID: 1375481). Algorithms developed to predict the effect of missense changes on protein structure and function are either unavailable or do not agree on the potential impact of this missense change (SIFT: "Not Available"; PolyPhen-2: "Benign"; Align-GVGD: "Not Available"). In summary, the available evidence is currently insufficient to determine the role of this variant in disease. Therefore, it has been classified as a Variant of Uncertain Significance.